The following is an entry in ClinVar:

ClinVar aggregate classification (germline): Uncertain significance (1 of 4 stars; one submission).

Conditions:
Immunodeficiency, common variable, 7. Identifiers: Orphanet 1572, Orphanet 696894, MedGen C3542922, MONDO:0013862, OMIM 614699.

Allele frequency attached by ClinVar (database versions not stated): gnomAD exomes below 0.00001.

Submission:

Labcorp Genetics (formerly Invitae), Labcorp
Classification: Uncertain significance for Immunodeficiency, common variable, 7. Last evaluated: 2020-08-19. Review status: criteria provided, single submitter. Criteria: Invitae Variant Classification Sherloc (09022015). Collection method: clinical testing. Allele origin: germline.
Comment: In summary, the available evidence is currently insufficient to determine the role of this variant in disease. Therefore, it has been classified as a Variant of Uncertain Significance. Algorithms developed to predict the effect of missense changes on protein structure and function (SIFT, PolyPhen-2, Align-GVGD) all suggest that this variant is likely to be tolerated, but these predictions have not been confirmed by published functional studies and their clinical significance is uncertain. This variant has not been reported in the literature in individuals with CR2-related conditions. This variant is present in population databases (rs750148498, ExAC 0.001%). This sequence change replaces valine with isoleucine at codon 263 of the CR2 protein (p.Val263Ile). The valine residue is weakly conserved and there is a small physicochemical difference between valine and isoleucine.

NM_001006658.3(CR2):c.787G>A (p.Val263Ile)

Gene: CR2 (complement C3d receptor 2; plus strand). Cytogenetic location: 1q32.2.
Variant type: single nucleotide variant.
Coding change: c.787G>A on transcript NM_001006658.3 (MANE Select); coding-DNA position 787, G replaced by A.
Protein change: p.Val263Ile; replaces valine 263 with isoleucine.
Molecular consequence: missense variant.
Genome position (GRCh38, 1-based): chr1:207,469,202, G>A. VCF-style: chr1-207469202-G-A. GRCh37 (hg19) VCF-style: chr1-207642547-G-A.
Other names: c.787G>A, p.Val263Ile (NM_001877.5); short protein forms V263I.
Identifiers: ClinVar variation 1042544 (VCV001042544.7), dbSNP rs750148498, ClinGen allele CA1368543.